The following is an entry in ClinVar:

ClinVar aggregate classification (germline): Uncertain significance (1 of 4 stars; one submission).

Conditions:
Primary dilated cardiomyopathy (DCM). Also called: Dilated Cardiomyopathy. Identifiers: Orphanet 217604, MedGen C0007193, MeSH D002311, MONDO:0005021, HP:0001644. Inheritance: Various modes of inheritance.
Hypertrophic cardiomyopathy. Also called: HYPERTROPHIC MYOCARDIOPATHY. Identifiers: Orphanet 217569, MedGen C0007194, MeSH D002312, MONDO:0005045, HP:0001639.

Submission:

Labcorp Genetics (formerly Invitae), Labcorp
Classification: Uncertain significance for Hypertrophic cardiomyopathy; Primary dilated cardiomyopathy. Last evaluated: 2022-07-25. Review status: criteria provided, single submitter. Criteria: Invitae Variant Classification Sherloc (09022015). Collection method: clinical testing. Allele origin: germline.
Comment: This variant is not present in population databases (gnomAD no frequency). In summary, the available evidence is currently insufficient to determine the role of this variant in disease. Therefore, it has been classified as a Variant of Uncertain Significance. Algorithms developed to predict the effect of missense changes on protein structure and function (SIFT, PolyPhen-2, Align-GVGD) all suggest that this variant is likely to be tolerated. ClinVar contains an entry for this variant (Variation ID: 1468552). This variant has not been reported in the literature in individuals affected with PDLIM3-related conditions. This sequence change replaces alanine, which is neutral and non-polar, with glycine, which is neutral and non-polar, at codon 225 of the PDLIM3 protein (p.Ala225Gly).

NM_014476.6(PDLIM3):c.674C>G (p.Ala225Gly)

Gene: PDLIM3 (PDZ and LIM domain 3; minus strand). Cytogenetic location: 4q35.1.
Variant type: single nucleotide variant.
Coding change: c.674C>G on transcript NM_014476.6 (MANE Select); coding-DNA position 674, C replaced by G.
Protein change: p.Ala225Gly; replaces alanine 225 with glycine.
Molecular consequence: missense variant. On other transcripts: non-coding transcript variant (1).
Genome position (GRCh38, 1-based): chr4:185,506,641, G>C on the plus strand (C>G on the coding strand, the complement: PDLIM3 is on the minus strand). VCF-style: chr4-185506641-G-C. GRCh37 (hg19) VCF-style: chr4-186427795-G-C.
Other names: c.530C>G, p.Ala177Gly (NM_001114107.5); c.410C>G, p.Ala137Gly (NM_001257962.2); c.173C>G, p.Ala58Gly (NM_001257963.2); short protein forms A225G, A58G, A177G, A137G.
Identifiers: ClinVar variation 1468552 (VCV001468552.8), dbSNP rs2153332393, ClinGen allele CA358923103.